The following is an entry in ClinVar:

NM_004370.6(COL12A1):c.127A>T (p.Met43Leu)

Gene: COL12A1 (collagen type XII alpha 1 chain; minus strand). Cytogenetic location: 6q13.
Variant type: single nucleotide variant.
Coding change: c.127A>T on transcript NM_004370.6 (MANE Select); coding-DNA position 127, A replaced by T.
Protein change: p.Met43Leu; replaces methionine 43 with leucine.
Molecular consequence: missense variant. On other transcripts: intron variant (1).
Genome position (GRCh38, 1-based): chr6:75,194,894, T>A on the plus strand (A>T on the coding strand, the complement: COL12A1 is on the minus strand). VCF-style: chr6-75194894-T-A. GRCh37 (hg19) VCF-style: chr6-75904610-T-A.
Other names: c.73+7826A>T (NM_080645.3); short protein forms M43L.
Identifiers: ClinVar variation 1319041 (VCV001319041.2), dbSNP rs1770138787, ClinGen allele CA364732066.
Genomic context (GRCh38, chr6:75,194,894, plus strand): 5'-TTGTAGGGTCCACCGTTATTCTGTAACCCACAATTGGATCAACTGGTTTTGCCCATGACA[T>A]ATGAACAGTATTTTCATCTATAATTTTAAAATTCAAGTCTGAAGGTGGGTCAACTGCAAA-3'
Protein context (NP_004361.3, residues 33-53): FKIIDENTVH[Met43Leu]SWAKPVDPIV

ClinVar aggregate classification (germline): Uncertain significance (1 of 4 stars; one submission).

Submission:

GeneDx
Classification: Uncertain significance. Last evaluated: 2019-05-08. Review status: criteria provided, single submitter. Criteria: GeneDx Variant Classification Process June 2021. Collection method: clinical testing. Allele origin: germline. Affected: yes.
Comment: Has not been previously published as pathogenic or benign to our knowledge; Not observed in large population cohorts (Lek et al., 2016); In silico analysis, which includes protein predictors and evolutionary conservation, supports that this variant does not alter protein structure/function